The following is an entry in ClinVar:

ClinVar aggregate classification (germline): Conflicting classifications of pathogenicity. Review status: criteria provided, conflicting classifications (1 of 4 stars). 7 submissions from 7 submitters: Uncertain significance (2); Likely benign (3). 2 of the submissions do not count toward it. Last evaluated 2026-01-18.

Conditions:
CNGB1-related disorder. Also called: CNGB1-related condition.
Retinitis pigmentosa (RP). Identifiers: Orphanet 791, MedGen C0035334, MeSH D012174, MONDO:0019200, OMIM 268000. Inheritance: Autosomal dominant, autosomal recessive and X linked inheritance.
Retinitis pigmentosa 45 (RP45). Identifiers: Orphanet 791, MedGen C3151066, MONDO:0013413, OMIM 613767.

Allele frequency attached by ClinVar (database versions not stated): gnomAD exomes 0.00045 and 0.00062; ExAC 0.00047; TOPMed 0.00049; gnomAD 0.00050 and 0.00055; ESP Exome Variant Server 0.00097.
gnomAD v4.1: 966 of 1,613,040 alleles (0.06%); highest among the groups gnomAD compares: Non-Finnish European, 0.073%; 5 homozygotes.

Submissions (7):

Labcorp Genetics (formerly Invitae), Labcorp
Classification: Likely benign. Last evaluated: 2026-01-18. Review status: criteria provided, single submitter. Criteria: Invitae Variant Classification Sherloc (09022015). Collection method: clinical testing. Allele origin: germline.

Blueprint Genetics
Classification: Likely benign. Last evaluated: 2024-11-21. Review status: criteria provided, single submitter. Criteria: ACMG Guidelines, 2015. Collection method: clinical testing. Allele origin: germline.

Illumina Laboratory Services, Illumina
Classification: Uncertain significance for Retinitis pigmentosa. Last evaluated: 2018-01-13. Review status: criteria provided, single submitter. Criteria: ICSL Variant Classification Criteria 13 December 2019. Collection method: clinical testing. Allele origin: germline.

Clinical Genetics DNA and cytogenetics Diagnostics Lab, Erasmus MC, Erasmus Medical Center
Classification: Likely benign for Retinitis pigmentosa 45. Last evaluated: 2016-03-30. Review status: criteria provided, single submitter. Criteria: ACGS Guidelines, 2013. Collection method: clinical testing. Allele origin: germline. Affected: yes. Study: VKGL Data-share Consensus.

Eurofins Ntd Llc (ga)
Classification: Uncertain significance. Last evaluated: 2015-01-30. Review status: criteria provided, single submitter. Criteria: EGL Classification Definitions 2015. Collection method: clinical testing. Allele origin: germline. Observed: 1 variant allele, 1 heterozygote.

PreventionGenetics, part of Exact Sciences
Classification: Likely benign for CNGB1-related condition. Last evaluated: 2019-03-18. Review status: no assertion criteria provided. Collection method: clinical testing. Allele origin: germline. Not counted in ClinVar's aggregate classification.
Comment: This variant is classified as likely benign based on ACMG/AMP sequence variant interpretation guidelines (Richards et al. 2015 PMID: 25741868, with internal and published modifications).

Clinical Genetics, Academic Medical Center
Classification: Benign. Review status: no assertion criteria provided. Collection method: clinical testing. Allele origin: germline. Affected: yes. Study: VKGL Data-share Consensus. Not counted in ClinVar's aggregate classification.

NM_001297.5(CNGB1):c.2370-9C>T

Gene: CNGB1 (cyclic nucleotide gated channel subunit beta 1; minus strand). Cytogenetic location: 16q21.
Variant type: single nucleotide variant.
Coding change: c.2370-9C>T on transcript NM_001297.5 (MANE Select); 9 bases into the intron before coding-DNA position 2370, C replaced by T.
Molecular consequence: intron variant.
Genome position (GRCh38, 1-based): chr16:57,911,884, G>A on the plus strand (C>T on the coding strand, the complement: CNGB1 is on the minus strand). VCF-style: chr16-57911884-G-A. GRCh37 (hg19) VCF-style: chr16-57945788-G-A.
Other names: c.2352-9C>T (NM_001286130.2).
Identifiers: ClinVar variation 195865 (VCV000195865.24), dbSNP rs374373659, ClinGen allele CA242532.